The following is an entry in ClinVar:

ClinVar aggregate classification (germline): Conflicting classifications of pathogenicity. Review status: criteria provided, conflicting classifications (1 of 4 stars). 6 submissions from 6 submitters: Uncertain significance (2); Benign (1); Likely benign (2). 1 of the submissions does not count toward it. Last evaluated 2026-01-16.

Conditions:
OBSL1-related disorder. Also called: OBSL1-related condition.
3M syndrome 2. Also called: 3-M Syndrome, OBSL1-Related; THREE M SYNDROME 2. Identifiers: Orphanet 2616, MedGen C2752041, MONDO:0013039, OMIM 612921.

Allele frequency attached by ClinVar (database versions not stated): gnomAD 0.00026 and 0.00042; TOPMed 0.00033; ESP Exome Variant Server 0.00039; 1000 Genomes Project 0.00040; 1000 Genomes Project 30x 0.00047.
gnomAD v4.1: 822 of 1,613,638 alleles (0.051%); highest among the groups gnomAD compares: Middle Eastern, 0.49%; 6 homozygotes.

Submissions (6):

Labcorp Genetics (formerly Invitae), Labcorp
Classification: Benign. Last evaluated: 2026-01-16. Review status: criteria provided, single submitter. Criteria: Invitae Variant Classification Sherloc (09022015). Collection method: clinical testing. Allele origin: germline.

Blueprint Genetics
Classification: Likely benign. Last evaluated: 2024-11-14. Review status: criteria provided, single submitter. Criteria: ACMG Guidelines, 2015. Collection method: clinical testing. Allele origin: germline.

CeGaT Center for Human Genetics Tuebingen
Classification: Likely benign. Last evaluated: 2022-08-01. Review status: criteria provided, single submitter. Criteria: CeGaT Center For Human Genetics Tuebingen Variant Classification Criteria Version 2. Collection method: clinical testing. Allele origin: germline. Affected: yes. Observed: 1 variant allele.
Comment: OBSL1: BP4, BP7

Illumina Laboratory Services, Illumina
Classification: Uncertain significance for 3M syndrome 2. Last evaluated: 2018-01-12. Review status: criteria provided, single submitter. Criteria: ICSL Variant Classification Criteria 13 December 2019. Collection method: clinical testing. Allele origin: germline.

Eurofins Ntd Llc (ga)
Classification: Uncertain significance. Last evaluated: 2016-05-03. Review status: criteria provided, single submitter. Criteria: EGL Classification Definitions 2015. Collection method: clinical testing. Allele origin: germline. Observed: 1 variant allele, 1 heterozygote.

PreventionGenetics, part of Exact Sciences
Classification: Likely benign for OBSL1-related condition. Last evaluated: 2024-03-06. Review status: no assertion criteria provided. Collection method: clinical testing. Allele origin: germline. Not counted in ClinVar's aggregate classification.
Comment: This variant is classified as likely benign based on ACMG/AMP sequence variant interpretation guidelines (Richards et al. 2015 PMID: 25741868, with internal and published modifications).

NM_015311.3(OBSL1):c.4588C>T (p.Leu1530=)

Gene: OBSL1 (obscurin like cytoskeletal adaptor 1; minus strand). Cytogenetic location: 2q35.
Variant type: single nucleotide variant.
Coding change: c.4588C>T on transcript NM_015311.3 (MANE Select); coding-DNA position 4588, C replaced by T.
Protein change: p.Leu1530=; no amino-acid change (leucine 1530 retained).
Molecular consequence: synonymous variant.
Genome position (GRCh38, 1-based): chr2:219,556,041, G>A on the plus strand (C>T on the coding strand, the complement: OBSL1 is on the minus strand). VCF-style: chr2-219556041-G-A. GRCh37 (hg19) VCF-style: chr2-220420763-G-A.
Other names: c.4588C>T, p.Leu1530= (NM_001173431.2).
Identifiers: ClinVar variation 287531 (VCV000287531.46), dbSNP rs201893489, ClinGen allele CA2130500.